The following is an entry in ClinVar:

ClinVar aggregate classification (germline): Uncertain significance (1 of 4 stars; one submission).

Conditions:
Neurodevelopmental disorder with progressive spasticity and brain white matter abnormalities. Also called: CEREBRAL PALSY, SPASTIC QUADRIPLEGIC, 1. Identifiers: Orphanet 210141, Orphanet 641353, MedGen C5436628, MONDO:0033613, OMIM 619026.

Submission:

Labcorp Genetics (formerly Invitae), Labcorp
Classification: Uncertain significance for Neurodevelopmental disorder with progressive spasticity and brain white matter abnormalities. Last evaluated: 2022-07-19. Review status: criteria provided, single submitter. Criteria: Invitae Variant Classification Sherloc (09022015). Collection method: clinical testing. Allele origin: germline.
Comment: ClinVar contains an entry for this variant (Variation ID: 1392861). This variant has not been reported in the literature in individuals affected with GAD1-related conditions. This variant is not present in population databases (gnomAD no frequency). This sequence change replaces cysteine, which is neutral and slightly polar, with tyrosine, which is neutral and polar, at codon 79 of the GAD1 protein (p.Cys79Tyr). Algorithms developed to predict the effect of missense changes on protein structure and function are either unavailable or do not agree on the potential impact of this missense change (SIFT: "Deleterious"; PolyPhen-2: "Possibly Damaging"; Align-GVGD: "Class C0"). In summary, the available evidence is currently insufficient to determine the role of this variant in disease. Therefore, it has been classified as a Variant of Uncertain Significance.

NM_000817.3(GAD1):c.236G>A (p.Cys79Tyr)

Gene: GAD1 (glutamate decarboxylase 1; plus strand). Cytogenetic location: 2q31.1.
Variant type: single nucleotide variant.
Coding change: c.236G>A on transcript NM_000817.3 (MANE Select); coding-DNA position 236, G replaced by A.
Protein change: p.Cys79Tyr; replaces cysteine 79 with tyrosine.
Molecular consequence: missense variant.
Genome position (GRCh38, 1-based): chr2:170,829,565, G>A. VCF-style: chr2-170829565-G-A. GRCh37 (hg19) VCF-style: chr2-171686075-G-A.
Other names: c.236G>A, p.Cys79Tyr (NM_013445.4); short protein forms C79Y.
Identifiers: ClinVar variation 1392861 (VCV001392861.6), dbSNP rs2105775770, ClinGen allele CA349272163.